The following is an entry in ClinVar:

NM_001018115.3(FANCD2):c.2990G>A (p.Arg997Gln)

Gene: FANCD2 (FA complementation group D2; plus strand). Cytogenetic location: 3p25.3.
Variant type: single nucleotide variant.
Coding change: c.2990G>A on transcript NM_001018115.3 (MANE Select); coding-DNA position 2990, G replaced by A.
Protein change: p.Arg997Gln; replaces arginine 997 with glutamine.
Molecular consequence: missense variant.
Genome position (GRCh38, 1-based): chr3:10,081,113, G>A. VCF-style: chr3-10081113-G-A. GRCh37 (hg19) VCF-style: chr3-10122797-G-A.
Other names: c.2990G>A, p.Arg997Gln (NM_001319984.2, NM_001374254.1, NM_033084.6); c.2879G>A, p.Arg960Gln (NM_001374253.1); short protein forms R997Q, R960Q.
Identifiers: ClinVar variation 134322 (VCV000134322.8), dbSNP rs587778331, ClinGen allele CA159483.
Genomic context (GRCh38, chr3:10,081,113, plus strand): 5'-GACGCTATCCAGCAGTTTCTTCACTCATAACTCTGCATTTATTATAGAACAAAGGAAGCC[G>A]GAATATTGGATTCTCACATCTCCAACAGAGATCTGCCCAAGAAATTGTTCATTGTGTTTT-3'
Protein context (NP_001018125.1, residues 987-1007): RVPFLKNKGS[Arg997Gln]NIGFSHLQQR

ClinVar aggregate classification (germline): Conflicting classifications of pathogenicity. Review status: criteria provided, conflicting classifications (1 of 4 stars). 4 submissions from 4 submitters: Uncertain significance (2); Likely benign (1). 1 of the submissions does not count toward it. Last evaluated 2025-07-10.

Conditions:
Hereditary cancer-predisposing syndrome. Also called: Tumor predisposition; Hereditary neoplastic syndrome; Neoplastic Syndromes, Hereditary; Hereditary Cancer Syndrome. Identifiers: Orphanet 140162, MedGen C0027672, MeSH D009386, MONDO:0015356.
Fanconi anemia (FA). Also called: Fanconi's anemia. Identifiers: Orphanet 84, MedGen C0015625, MeSH D005199, MONDO:0019391.

Allele frequency attached by ClinVar (database versions not stated): gnomAD 0.00001 and 0.00003; TOPMed 0.00006; gnomAD exomes 0.00008 and 0.00012; ExAC 0.00012.
gnomAD v4.1: 171 of 1,614,054 alleles (0.011%); highest among the groups gnomAD compares: South Asian, 0.031%; 1 homozygote.

Submissions (4):

Laboratorio de I+D, Fundación Centro Médico de Asturias
Classification: Likely benign for Hereditary cancer-predisposing syndrome. Last evaluated: 2025-07-10. Review status: criteria provided, single submitter. Criteria: ACMG Guidelines, 2015. Collection method: clinical testing. Allele origin: germline.
Comment: BP4_Strong+BP1+BP3+PM2_Supporting

Labcorp Genetics (formerly Invitae), Labcorp
Classification: Uncertain significance for Fanconi anemia. Last evaluated: 2022-08-19. Review status: criteria provided, single submitter. Criteria: Invitae Variant Classification Sherloc (09022015). Collection method: clinical testing. Allele origin: germline.
Comment: This sequence change replaces arginine, which is basic and polar, with glutamine, which is neutral and polar, at codon 997 of the FANCD2 protein (p.Arg997Gln). This variant is present in population databases (rs587778331, gnomAD 0.03%). This variant has not been reported in the literature in individuals affected with FANCD2-related conditions. ClinVar contains an entry for this variant (Variation ID: 134322). Algorithms developed to predict the effect of missense changes on protein structure and function output the following: SIFT: "Tolerated"; PolyPhen-2: "Benign"; Align-GVGD: "Class C0". The glutamine amino acid residue is found in multiple mammalian species, which suggests that this missense change does not adversely affect protein function. In summary, the available evidence is currently insufficient to determine the role of this variant in disease. Therefore, it has been classified as a Variant of Uncertain Significance.

Institute for Clinical Genetics, University Hospital TU Dresden, University Hospital TU Dresden
Classification: Uncertain significance. Last evaluated: 2021-11-03. Review status: criteria provided, single submitter. Criteria: ACMG Guidelines, 2015. Collection method: clinical testing. Allele origin: germline.

ITMI
No classification provided. Condition: AllHighlyPenetrant. Last evaluated: 2013-09-19. Review status: no classification provided. Collection method: reference population. Allele origin: germline. Not counted in ClinVar's aggregate classification.
Comment: Please see associated publication for description of ethnicities

Literature cited by the submitters: PubMed 24728327 (cited by ITMI).